The following is an entry in ClinVar:

NM_024915.4(GRHL2):c.637G>A (p.Asp213Asn)

Gene: GRHL2 (grainyhead like transcription factor 2; plus strand). Cytogenetic location: 8q22.3.
Variant type: single nucleotide variant.
Coding change: c.637G>A on transcript NM_024915.4 (MANE Select); coding-DNA position 637, G replaced by A.
Protein change: p.Asp213Asn; replaces aspartic acid 213 with asparagine.
Molecular consequence: missense variant.
Genome position (GRCh38, 1-based): chr8:101,558,771, G>A. VCF-style: chr8-101558771-G-A. GRCh37 (hg19) VCF-style: chr8-102570999-G-A.
Other names: c.589G>A, p.Asp197Asn (NM_001330593.2); short protein forms D197N, D213N.
Identifiers: ClinVar variation 2576782 (VCV002576782.2), dbSNP rs548008385, ClinGen allele CA4830332.

ClinVar aggregate classification (germline): Uncertain significance. Review status: criteria provided, multiple submitters, no conflicts (2 of 4 stars). 2 submissions from 2 submitters: Uncertain significance (2). Last evaluated 2025-11-17.

Allele frequency attached by ClinVar (database versions not stated): gnomAD 0.00004; ExAC 0.00008; TOPMed 0.00003.
gnomAD v4.1: 93 of 1,614,144 alleles (0.0058%); highest among the groups gnomAD compares: South Asian, 0.041%; 1 homozygote.

Submissions (2):

Labcorp Genetics (formerly Invitae), Labcorp
Classification: Uncertain significance. Last evaluated: 2025-11-17. Review status: criteria provided, single submitter. Criteria: Invitae Variant Classification Sherloc (09022015). Collection method: clinical testing. Allele origin: germline.
Comment: This sequence change replaces aspartic acid, which is acidic and polar, with asparagine, which is neutral and polar, at codon 213 of the GRHL2 protein (p.Asp213Asn). This variant is present in population databases (rs548008385, gnomAD 0.02%). This variant has not been reported in the literature in individuals affected with GRHL2-related conditions. ClinVar contains an entry for this variant (Variation ID: 2576782). Invitae Evidence Modeling of protein sequence and biophysical properties (such as structural, functional, and spatial information, amino acid conservation, physicochemical variation, residue mobility, and thermodynamic stability) indicates that this missense variant is not expected to disrupt GRHL2 protein function with a negative predictive value of 80%. In summary, the available evidence is currently insufficient to determine the role of this variant in disease. Therefore, it has been classified as a Variant of Uncertain Significance.

GeneDx
Classification: Uncertain significance. Last evaluated: 2023-08-17. Review status: criteria provided, single submitter. Criteria: GeneDx Variant Classification Process June 2021. Collection method: clinical testing. Allele origin: germline. Affected: yes.
Comment: In silico analysis supports that this missense variant has a deleterious effect on protein structure/function; Has not been previously published as pathogenic or benign to our knowledge